The following is an entry in ClinVar:

NM_005245.4(FAT1):c.10770C>G (p.Phe3590Leu)

Genes: FAT1 (FAT atypical cadherin 1; minus strand), LOC126807254 (BRD4-independent group 4 enhancer GRCh37_chr4:187524269-187525468; plus strand). Cytogenetic location: 4q35.2.
Variant type: single nucleotide variant.
Coding change: c.10770C>G on transcript NM_005245.4 (MANE Select); coding-DNA position 10770, C replaced by G.
Protein change: p.Phe3590Leu; replaces phenylalanine 3590 with leucine.
Molecular consequence: missense variant.
Genome position (GRCh38, 1-based): chr4:186,603,756, G>C on the plus strand (C>G on the coding strand, the complement: FAT1 is on the minus strand). VCF-style: chr4-186603756-G-C. GRCh37 (hg19) VCF-style: chr4-187524910-G-C.
Other names: short protein forms F3590L.
Identifiers: ClinVar variation 3361122 (VCV003361122.1).
Genomic context (GRCh38, chr4:186,603,756, plus strand): 5'-GTATTGCCCTATGTCTAGCTTTTTGTGTGCTATCAGCTTGCCCCCTGTGCTGGAAACAGA[G>C]AACAGGTTGTCCATCTGAGGGTCGAGACTGTAGGTTAGAGTATCATACACGTCCTGGTCT-3'
Protein context (NP_005236.2, residues 3580-3600): YSLDPQMDNL[Phe3590Leu]SVSSTGGKLI

ClinVar aggregate classification (germline): Uncertain significance (1 of 4 stars; one submission).

gnomAD v4.1: 133 of 1,613,950 alleles (0.0082%); highest among the groups gnomAD compares: South Asian, 0.14%; no homozygotes.

Submission:

GeneDx
Classification: Uncertain significance. Last evaluated: 2023-07-18. Review status: criteria provided, single submitter. Criteria: GeneDx Variant Classification Process June 2021. Collection method: clinical testing. Allele origin: germline. Affected: yes.
Comment: In silico analysis supports that this missense variant has a deleterious effect on protein structure/function; Has not been previously published as pathogenic or benign to our knowledge